The following is an entry in ClinVar:

NM_003922.4(HERC1):c.3857G>A (p.Arg1286Gln)

Gene: HERC1 (HECT and RLD domain containing E3 ubiquitin protein ligase family member 1; minus strand). Cytogenetic location: 15q22.31.
Variant type: single nucleotide variant.
Coding change: c.3857G>A on transcript NM_003922.4 (MANE Select); coding-DNA position 3857, G replaced by A.
Protein change: p.Arg1286Gln; replaces arginine 1286 with glutamine.
Molecular consequence: missense variant.
Genome position (GRCh38, 1-based): chr15:63,718,783, C>T on the plus strand (G>A on the coding strand, the complement: HERC1 is on the minus strand). VCF-style: chr15-63718783-C-T. GRCh37 (hg19) VCF-style: chr15-64010982-C-T.
Other names: short protein forms R1286Q.
Identifiers: ClinVar variation 5036891 (VCV005036891.1).

ClinVar aggregate classification (germline): Likely pathogenic (1 of 4 stars; one submission).

gnomAD v4.1: 2 of 1,610,798 alleles (0.00012%); highest among the groups gnomAD compares: Non-Finnish European, 0.00017%; no homozygotes.

Submission:

GeneDx
Classification: Likely pathogenic. Last evaluated: 2026-04-21. Review status: criteria provided, single submitter. Criteria: GeneDx Variant Classification Process June 2021. Collection method: clinical testing. Allele origin: germline.
Comment: Alters the last nucleotide of the exon and is predicted to destroy the splice donor site and result in aberrant splicing, although in the absence of functional evidence the actual effect of this sequence change is unknown; Not observed at significant frequency in large population cohorts (gnomAD); Has not been previously published as pathogenic or benign to our knowledge